The following is an entry in ClinVar:

NM_001009944.3(PKD1):c.5648C>T (p.Ala1883Val)

Gene: PKD1 (polycystin 1, transient receptor potential channel interacting; minus strand). Cytogenetic location: 16p13.3.
Variant type: single nucleotide variant.
Coding change: c.5648C>T on transcript NM_001009944.3 (MANE Select); coding-DNA position 5648, C replaced by T.
Protein change: p.Ala1883Val; replaces alanine 1883 with valine.
Molecular consequence: missense variant.
Genome position (GRCh38, 1-based): chr16:2,109,519, G>A on the plus strand (C>T on the coding strand, the complement: PKD1 is on the minus strand). VCF-style: chr16-2109519-G-A. GRCh37 (hg19) VCF-style: chr16-2159520-G-A.
Other names: c.5648C>T (NM_001009944.2); c.5648C>T, p.Ala1883Val (NM_000296.4); short protein forms A1883V.
Identifiers: ClinVar variation 618811 (VCV000618811.15), dbSNP rs779745348, ClinGen allele CA7831905.

ClinVar aggregate classification (germline): Conflicting classifications of pathogenicity. Review status: criteria provided, conflicting classifications (1 of 4 stars). 7 submissions from 7 submitters: Uncertain significance (4); Likely benign (2). 1 of the submissions does not count toward it. Last evaluated 2026-08-01.

Conditions:
PKD1-related disorder. Also called: PKD1-related condition.
Polycystic kidney disease. Also called: Kidney, Polycystic; Polycystic kidney dysplasia. Identifiers: MedGen C0022680, MeSH D007690, MONDO:0020642, HP:0000113.

Allele frequency attached by ClinVar (database versions not stated): TOPMed 0.00019; gnomAD exomes 0.00020 and 0.00017; gnomAD 0.00026; ExAC 0.00018.
gnomAD v4.1: 328 of 1,610,452 alleles (0.02%); highest among the groups gnomAD compares: Non-Finnish European, 0.026%; no homozygotes.

Submissions (7):

CeGaT Center for Human Genetics Tuebingen
Classification: Uncertain significance. Last evaluated: 2026-08-01. Review status: criteria provided, single submitter. Criteria: CeGaT Center For Human Genetics Tuebingen Variant Classification Criteria Version 2. Collection method: clinical testing. Allele origin: germline. Affected: yes. Observed: 1 variant allele.

PreventionGenetics, part of Exact Sciences
Classification: Uncertain significance for PKD1-related condition. Last evaluated: 2026-02-16. Review status: criteria provided, single submitter. Criteria: ACMG Guidelines, 2015. Collection method: clinical testing. Allele origin: germline.
Comment: The PKD1 c.5648C>T variant is predicted to result in the amino acid substitution p.Ala1883Val. This variant was reported in the heterozygous state in an individual with ciliopathy (Vaisitti et al. 2020. PubMed ID: 33226606). This variant is reported in 0.032% of alleles in individuals of European (Non-Finnish) descent in gnomAD. The p.Ala1883 residue is weakly conserved during evolution and a valine (Val) has been seen at this position in multiple non-human species. Although we suspect that this variant may be benign, at this time, the clinical significance of this variant is uncertain due to the absence of conclusive functional and genetic evidence.

Women's Health and Genetics/Laboratory Corporation of America, LabCorp
Classification: Uncertain significance. Last evaluated: 2025-02-24. Review status: criteria provided, single submitter. Criteria: LabCorp Variant Classification Summary - May 2015. Collection method: clinical testing. Allele origin: germline.
Comment: Variant summary: PKD1 c.5648C>T (p.Ala1883Val) results in a non-conservative amino acid change located in the PKD/chitinase domain (IPR022409) of the encoded protein sequence. Three of four in-silico tools predict a benign effect of the variant on protein function. The variant allele was found at a frequency of 0.00017 in 243502 control chromosomes. This frequency is not significantly higher than estimated for a pathogenic variant in PKD1 causing Polycystic Kidney Disease 1 (0.00017 vs 0.0005), allowing no conclusion about variant significance. c.5648C>T has been reported in the literature in an individual affected with ciliopathies (Vaisitti_2021). This report does not provide unequivocal conclusions about association of the variant with Polycystic Kidney Disease 1. To our knowledge, no experimental evidence demonstrating an impact on protein function has been reported. The following publication has been ascertained in the context of this evaluation (PMID: 33226606). ClinVar contains an entry for this variant (Variation ID: 618811). Based on the evidence outlined above, the variant was classified as uncertain significance.

Blueprint Genetics
Classification: Likely benign. Last evaluated: 2024-10-18. Review status: criteria provided, single submitter. Criteria: ACMG Guidelines, 2015. Collection method: clinical testing. Allele origin: germline.

Athena Diagnostics
Classification: Likely benign. Last evaluated: 2018-12-13. Review status: criteria provided, single submitter. Criteria: Athena Diagnostics Criteria. Collection method: clinical testing. Allele origin: germline.

ARUP Laboratories, Molecular Genetics and Genomics, ARUP Laboratories
Classification: Uncertain significance. Last evaluated: 2017-12-11. Review status: criteria provided, single submitter. Criteria: ARUP Molecular Germline Variant Investigation Process. Collection method: clinical testing. Allele origin: germline.

Department of Pathology and Laboratory Medicine, Sinai Health System
Classification: Likely benign for Polycystic Kidney disease. Review status: no assertion criteria provided. Collection method: clinical testing. Allele origin: unknown. Affected: yes. Study: The Canadian Open Genetics Repository (COGR). Not counted in ClinVar's aggregate classification.
Comment: The PKD1 p.Ala1883Val variant was not identified in the literature nor was it identified in the dbSNP, LOVD 3.0, ADPKD Mutation Database, PKD1-LOVD, databases. The variant was identified in ClinVar (classified as uncertain significance by ARUP). The variant was identified in control databases in 48 of 270388 chromosomes at a frequency of 0.0002 increasing the likelihood this could be a low frequency benign variant (Genome Aggregation Database Feb 27, 2017), observed in the following populations: African in 4 of 23300 chromosomes (freq: 0.0002), Latino in 1 of 34152 chromosomes (freq: 0.00003), European Non-Finnish in 40 of 122664 chromosomes (freq: 0.0003), East Asian in 2 of 18700 chromosomes (freq: 0.0001), European Finnish in 1 of 24824 chromosomes (freq: 0.00004), while not observed in the Other, Ashkenazi Jewish, and South Asian populations. In addition we cannot be certain that data from control databases is specific to PKD1 and not from one of the six PKD1 pseudogenes. The p.Ala1883 residue is not conserved in mammals and computational analyses (PolyPhen-2, SIFT, AlignGVGD, BLOSUM, MutationTaster) do not suggest a high likelihood the variant Val impacts the protein; however, this information is not predictive enough to rule out pathogenicity. The variant occurs outside of the splicing consensus sequence and in silico or computational prediction software programs (SpliceSiteFinder, MaxEntScan, NNSPLICE, GeneSplicer) do not predict a difference in splicing. In summary, based on the above information the clinical significance of this variant cannot be determined with certainty at this time although we would lean towards a more benign role for this variant. This variant is classified as likely benign.

Literature cited by the submitters: PubMed 33226606 (cited by Women's Health and Genetics/Laboratory Corporation of America, LabCorp).